The following is an entry in ClinVar:

ClinVar aggregate classification (germline): Likely benign (1 of 4 stars; one submission).

Submission:

CeGaT Center for Human Genetics Tuebingen
Classification: Likely benign. Last evaluated: 2026-03-01. Review status: criteria provided, single submitter. Criteria: CeGaT Center For Human Genetics Tuebingen Variant Classification Criteria Version 2. Collection method: clinical testing. Allele origin: germline. Affected: yes. Observed: 1 variant allele.
Comment: RBMXL3: PM2:Supporting, BP4, BP7

NM_001145346.2(RBMXL3):c.2121C>T (p.Arg707=)

Genes: LRCH2 (leucine rich repeats and calponin homology domain containing 2; minus strand), RBMXL3 (RBMX like 3; plus strand). Cytogenetic location: Xq23.
Variant type: single nucleotide variant.
Coding change: c.2121C>T on transcript NM_001145346.2 (MANE Select); coding-DNA position 2121, C replaced by T.
Protein change: p.Arg707=; no amino-acid change (arginine 707 retained).
Molecular consequence: synonymous variant. On other transcripts: intron variant (2).
Genome position (GRCh38, 1-based): chrX:115,191,562, C>T. VCF-style: chrX-115191562-C-T. GRCh37 (hg19) VCF-style: chrX-114426125-C-T.
Other names: c.350-3192G>A (NM_001243963.2, NM_020871.4).
Identifiers: ClinVar variation 4821759 (VCV004821759.4).